The following is an entry in ClinVar:

ClinVar aggregate classification (germline): Conflicting classifications of pathogenicity. Review status: criteria provided, conflicting classifications (1 of 4 stars). 4 submissions from 4 submitters: Uncertain significance (1); Likely benign (2). 1 of the submissions does not count toward it. Last evaluated 2026-01-31.

Conditions:
VPS13B-related disorder. Also called: VPS13B-related condition.
Cohen syndrome (COH1). Also called: Cutis verticis gyrata, retinitis pigmentosa, and sensorineural deafness; PEPPER SYNDROME. Identifiers: Orphanet 193, MedGen C0265223, MONDO:0008999, OMIM 216550.

Allele frequency attached by ClinVar (database versions not stated): gnomAD exomes below 0.00001 and 0.00001; gnomAD 0.00001; ExAC 0.00002; TOPMed 0.00002; ESP Exome Variant Server 0.00008.
gnomAD v4.1: 2 of 1,613,942 alleles (0.00012%); highest among the groups gnomAD compares: Non-Finnish European, 0.00017%; no homozygotes.

Submissions (4):

Labcorp Genetics (formerly Invitae), Labcorp
Classification: Likely benign for Cohen syndrome. Last evaluated: 2026-01-31. Review status: criteria provided, single submitter. Criteria: Invitae Variant Classification Sherloc (09022015). Collection method: clinical testing. Allele origin: germline.

PreventionGenetics, part of Exact Sciences
Classification: Likely benign for VPS13B-related condition. Last evaluated: 2024-10-10. Review status: criteria provided, single submitter. Criteria: ACMG Guidelines, 2015. Collection method: clinical testing. Allele origin: germline.
Comment: This variant is classified as likely benign based on ACMG/AMP sequence variant interpretation guidelines (Richards et al. 2015 PMID: 25741868, with internal and published modifications).

Blueprint Genetics
Classification: Uncertain significance. Last evaluated: 2021-07-22. Review status: criteria provided, single submitter. Criteria: ACMG Guidelines, 2015. Collection method: clinical testing. Allele origin: germline.

Natera, Inc.
Classification: Uncertain significance for Cohen syndrome. Last evaluated: 2025-02-26. Review status: no assertion criteria provided. Collection method: clinical testing. Allele origin: germline. Not counted in ClinVar's aggregate classification.

NM_152564.5(VPS13B):c.5832C>T (p.His1944=)

Gene: VPS13B (vacuolar protein sorting 13 homolog B; plus strand). Cytogenetic location: 8q22.2.
Variant type: single nucleotide variant.
Coding change: c.5832C>T on transcript NM_152564.5 (MANE Select); coding-DNA position 5832, C replaced by T.
Protein change: p.His1944=; no amino-acid change (histidine 1944 retained).
Molecular consequence: synonymous variant.
Genome position (GRCh38, 1-based): chr8:99,642,422, C>T. VCF-style: chr8-99642422-C-T. GRCh37 (hg19) VCF-style: chr8-100654650-C-T.
Other names: c.5832C>T (NM_152564.4); c.5907C>T, p.His1969= (NM_017890.5); c.5907C>T (NM_017890.4).
Identifiers: ClinVar variation 1151141 (VCV001151141.12), dbSNP rs372340783, ClinGen allele CA4823878.